The following is an entry in ClinVar:

NM_001286.5(CLCN6):c.1334C>T (p.Pro445Leu)

Gene: CLCN6 (chloride voltage-gated channel 6; plus strand). Cytogenetic location: 1p36.22.
Variant type: single nucleotide variant.
Coding change: c.1334C>T on transcript NM_001286.5 (MANE Select); coding-DNA position 1334, C replaced by T.
Protein change: p.Pro445Leu; replaces proline 445 with leucine.
Molecular consequence: missense variant. On other transcripts: non-coding transcript variant (1).
Genome position (GRCh38, 1-based): chr1:11,833,600, C>T. VCF-style: chr1-11833600-C-T. GRCh37 (hg19) VCF-style: chr1-11893657-C-T.
Other names: c.1334C>T (NM_001286.2); c.1268C>T, p.Pro423Leu (NM_001256959.2); short protein forms P445L, P423L.
Identifiers: ClinVar variation 1908670 (VCV001908670.6), dbSNP rs750170974, ClinGen allele CA596429.

ClinVar aggregate classification (germline): Uncertain significance. Review status: criteria provided, multiple submitters, no conflicts (2 of 4 stars). 2 submissions from 2 submitters: Uncertain significance (2). Last evaluated 2025-09-02.

Allele frequency attached by ClinVar (database versions not stated): gnomAD 0.00001; gnomAD exomes 0.00001; TOPMed 0.00001; ExAC 0.00003.
gnomAD v4.1: 16 of 1,613,826 alleles (0.00099%); highest among the groups gnomAD compares: South Asian, 0.0044%; no homozygotes.

Submissions (2):

Labcorp Genetics (formerly Invitae), Labcorp
Classification: Uncertain significance. Last evaluated: 2025-09-02. Review status: criteria provided, single submitter. Criteria: Invitae Variant Classification Sherloc (09022015). Collection method: clinical testing. Allele origin: germline.
Comment: This sequence change replaces proline, which is neutral and non-polar, with leucine, which is neutral and non-polar, at codon 445 of the CLCN6 protein (p.Pro445Leu). This variant is present in population databases (rs750170974, gnomAD 0.006%). This variant has not been reported in the literature in individuals affected with CLCN6-related conditions. ClinVar contains an entry for this variant (Variation ID: 1908670). An algorithm developed to predict the effect of missense changes on protein structure and function (PolyPhen-2) suggests that this variant is likely to be disruptive. In summary, the available evidence is currently insufficient to determine the role of this variant in disease. Therefore, it has been classified as a Variant of Uncertain Significance.

Ambry Genetics
Classification: Uncertain significance. Last evaluated: 2024-03-15. Review status: criteria provided, single submitter. Criteria: Ambry Variant Classification Scheme 2023. Collection method: clinical testing. Allele origin: germline.